The following is an entry in ClinVar:

ClinVar aggregate classification (germline): Uncertain significance (1 of 4 stars; one submission).

Conditions:
Muscular dystrophy-dystroglycanopathy type B6 (MDDGB6). Also called: MUSCULAR DYSTROPHY-DYSTROGLYCANOPATHY (CONGENITAL WITH IMPAIRED INTELLECTUAL DEVELOPMENT), TYPE B, 6; MUSCULAR DYSTROPHY, CONGENITAL, LARGE-RELATED; MUSCULAR DYSTROPHY, CONGENITAL, TYPE 1D. Identifiers: MedGen C1837229, MONDO:0012138, OMIM 608840.

Allele frequency attached by ClinVar (database versions not stated): TOPMed below 0.00001; gnomAD 0.00001; gnomAD exomes 0.00002; ExAC 0.00004.
gnomAD v4.1: 8 of 1,614,074 alleles (0.0005%); highest among the groups gnomAD compares: East Asian, 0.013%; no homozygotes.

Submission:

Labcorp Genetics (formerly Invitae), Labcorp
Classification: Uncertain significance for Muscular dystrophy-dystroglycanopathy type B6. Last evaluated: 2024-04-05. Review status: criteria provided, single submitter. Criteria: Invitae Variant Classification Sherloc (09022015). Collection method: clinical testing. Allele origin: germline.
Comment: This sequence change replaces leucine, which is neutral and non-polar, with phenylalanine, which is neutral and non-polar, at codon 613 of the LARGE protein (p.Leu613Phe). This variant is present in population databases (rs745392097, gnomAD 0.02%). This variant has not been reported in the literature in individuals affected with LARGE-related conditions. ClinVar contains an entry for this variant (Variation ID: 464470). Advanced modeling of protein sequence and biophysical properties (such as structural, functional, and spatial information, amino acid conservation, physicochemical variation, residue mobility, and thermodynamic stability) performed at Invitae indicates that this missense variant is expected to disrupt LARGE protein function with a positive predictive value of 80%. In summary, the available evidence is currently insufficient to determine the role of this variant in disease. Therefore, it has been classified as a Variant of Uncertain Significance.

NM_133642.5(LARGE1):c.1839G>T (p.Leu613Phe)

Gene: LARGE1 (LARGE xylosyl- and glucuronyltransferase 1; minus strand). Cytogenetic location: 22q12.3.
Variant type: single nucleotide variant.
Coding change: c.1839G>T on transcript NM_133642.5 (MANE Select); coding-DNA position 1839, G replaced by T.
Protein change: p.Leu613Phe; replaces leucine 613 with phenylalanine.
Molecular consequence: missense variant. On other transcripts: intron variant (3).
Genome position (GRCh38, 1-based): chr22:33,283,240, C>A on the plus strand (G>T on the coding strand, the complement: LARGE1 is on the minus strand). VCF-style: chr22-33283240-C-A. GRCh37 (hg19) VCF-style: chr22-33679226-C-A.
Other names: c.1839G>T, p.Leu613Phe (NM_001362949.2, NM_001362951.2, NM_001362953.2 and 4 more transcripts); c.1683G>T, p.Leu561Phe (NM_001378629.1); c.1236G>T, p.Leu412Phe (NM_001378630.1); c.1731-5985G>T (NM_001378627.1, NM_001378628.1); c.972-5985G>T (NM_001378631.1); short protein forms L613F, L412F, L561F.
Identifiers: ClinVar variation 464470 (VCV000464470.9), dbSNP rs745392097, ClinGen allele CA10202637.
Genomic context (GRCh38, chr22:33,283,240, plus strand): 5'-TACAGCAGCTAGAGCCACTCACCTGAATGTGAAGAGGGTCCCCATGTCCAGCATTGACAG[C>A]AACTCCGCTTTTGACTTGGGGAAGGACAGCCGGTAGCGCAGTGTCTCGAACGCGGGGACA-3'
Protein context (NP_598397.1, residues 603-623): RLSFPKSKAE[Leu613Phe]LSMLDMGTLF